The following is an entry in ClinVar:

NM_004360.5(CDH1):c.1309A>T (p.Lys437Ter)

Gene: CDH1 (cadherin 1; plus strand). Cytogenetic location: 16q22.1.
Variant type: single nucleotide variant.
Coding change: c.1309A>T on transcript NM_004360.5 (MANE Select); coding-DNA position 1309, A replaced by T.
Protein change: p.Lys437Ter; replaces lysine 437 with a stop codon.
Molecular consequence: nonsense. On other transcripts: 5 prime UTR variant (2), intron variant (1).
Genome position (GRCh38, 1-based): chr16:68,813,484, A>T. VCF-style: chr16-68813484-A-T. GRCh37 (hg19) VCF-style: chr16-68847387-A-T.
Other names: c.-307A>T (NM_001317185.2); c.-511A>T (NM_001317186.2); c.1137+1221A>T (NM_001317184.2); short protein forms K437*.
Identifiers: ClinVar variation 1769591 (VCV001769591.2), dbSNP rs786201841, ClinGen allele CA396461897.

ClinVar aggregate classification (germline): Pathogenic (1 of 4 stars; one submission).

Conditions:
Hereditary cancer-predisposing syndrome. Also called: Hereditary Cancer Syndrome; Hereditary neoplastic syndrome; Neoplastic Syndromes, Hereditary; Tumor predisposition. Identifiers: Orphanet 140162, MedGen C0027672, MeSH D009386, MONDO:0015356.

Allele frequency attached by ClinVar (database versions not stated): gnomAD exomes below 0.00001.
gnomAD v4.1: 2 of 1,614,202 alleles (0.00012%); highest among the groups gnomAD compares: Non-Finnish European, 0.00017%; no homozygotes.

Submission:

Ambry Genetics
Classification: Pathogenic for Hereditary cancer-predisposing syndrome. Last evaluated: 2018-07-06. Review status: criteria provided, single submitter. Criteria: Ambry Variant Classification Scheme 2023. Collection method: clinical testing. Allele origin: germline.
Comment: The p.K437* pathogenic mutation (also known as c.1309A>T), located in coding exon 9 of the CDH1 gene, results from an A to T substitution at nucleotide position 1309. This changes the amino acid from a lysine to a stop codon within coding exon 9. This alteration is expected to result in loss of function by premature protein truncation or nonsense-mediated mRNA decay. As such, this alteration is interpreted as a disease-causing mutation.